The following is an entry in ClinVar:

ClinVar aggregate classification (germline): Benign (1 of 4 stars; one submission).

Conditions:
Leigh syndrome (NULS). Also called: Leigh's necrotizing encephalopathy; Leigh's disease; Leigh's syndrome; LEIGH SYNDROME, NUCLEAR; Leigh Syndrome (mtDNA deletion); Leigh Disease. Identifiers: Orphanet 506, MedGen C2931891, MONDO:0009723, OMIM 256000.

Submission:

Wong Mito Lab, Molecular and Human Genetics, Baylor College of Medicine
Classification: Benign for Leigh syndrome. Last evaluated: 2019-10-17. Review status: criteria provided, single submitter. Criteria: Modified ACMG Guidelines (Unpublished). Collection method: clinical testing. Allele origin: germline.
Comment: The NC_012920.1:m.14003C>T (YP_003024036.1:p.Thr556Ile) variant in MTND5 gene is interpretated to be a Benign variant based on the modified ACMG guidelines (unpublished). This variant meets the following evidence codes: BS1, BS4, BP4

NC_012920.1(MT-ND5):m.14003C>T

Gene: MT-ND5 (mitochondrially encoded NADH dehydrogenase 5; plus strand).
Variant type: single nucleotide variant.
Genome position: chrM-14003-C-T.
Identifiers: ClinVar variation 693648 (VCV000693648.1), dbSNP rs1603224466, ClinGen allele CA414820452.
Genomic context (GRCh38, chrMT:14,003, plus strand): 5'-CAATCCCCTATCTAGGCCTTCTTACGAGCCAAAACCTGCCCCTACTCCTCCTAGACCTAA[C>T]CTGACTAGAAAAGCTATTACCTAAAACAATTTCACAGCACCAAATCTCCACCTCCATCAT-3'